The following is an entry in ClinVar:

NM_004304.5(ALK):c.3923C>T (p.Ser1308Phe)

Gene: ALK (ALK receptor tyrosine kinase; minus strand). Cytogenetic location: 2p23.2.
Variant type: single nucleotide variant.
Coding change: c.3923C>T on transcript NM_004304.5 (MANE Select); coding-DNA position 3923, C replaced by T.
Protein change: p.Ser1308Phe; replaces serine 1308 with phenylalanine.
Molecular consequence: missense variant.
Genome position (GRCh38, 1-based): chr2:29,207,186, G>A on the plus strand (C>T on the coding strand, the complement: ALK is on the minus strand). VCF-style: chr2-29207186-G-A. GRCh37 (hg19) VCF-style: chr2-29430052-G-A.
Other names: c.719C>T, p.Ser240Phe (NM_001353765.2); c.3923C>T (NM_004304.4); short protein forms S1308F, S240F.
Identifiers: ClinVar variation 1949013 (VCV001949013.7), dbSNP rs1669333686, ClinGen allele CA346468510.

ClinVar aggregate classification (germline): Uncertain significance. Review status: criteria provided, multiple submitters, no conflicts (2 of 4 stars). 3 submissions from 3 submitters: Uncertain significance (3). Last evaluated 2025-12-03.

Conditions:
Neuroblastoma, susceptibility to, 3. Also called: ALK-Related Neuroblastic Tumor Susceptibility. Identifiers: Orphanet 635, MedGen C2751681, MONDO:0013083, OMIM 613014.
Hereditary cancer-predisposing syndrome. Also called: Neoplastic Syndromes, Hereditary; Hereditary neoplastic syndrome; Tumor predisposition; Hereditary Cancer Syndrome. Identifiers: Orphanet 140162, MedGen C0027672, MeSH D009386, MONDO:0015356.

Allele frequency attached by ClinVar (database versions not stated): gnomAD exomes below 0.00001; TOPMed below 0.00001.
gnomAD v4.1: 1 of 1,613,700 alleles (0.000062%); highest among the groups gnomAD compares: Non-Finnish European, 0.000085%; no homozygotes.

Submissions (3):

Labcorp Genetics (formerly Invitae), Labcorp
Classification: Uncertain significance for Neuroblastoma, susceptibility to, 3. Last evaluated: 2025-12-03. Review status: criteria provided, single submitter. Criteria: Invitae Variant Classification Sherloc (09022015). Collection method: clinical testing. Allele origin: germline.
Comment: This sequence change replaces serine, which is neutral and polar, with phenylalanine, which is neutral and non-polar, at codon 1308 of the ALK protein (p.Ser1308Phe). This variant is not present in population databases (gnomAD no frequency). This variant has not been reported in the literature in individuals affected with ALK-related conditions. ClinVar contains an entry for this variant (Variation ID: 1949013). An algorithm developed to predict the effect of missense changes on protein structure and function (PolyPhen-2) suggests that this variant is likely to be disruptive. In summary, the available evidence is currently insufficient to determine the role of this variant in disease. Therefore, it has been classified as a Variant of Uncertain Significance.

Ambry Genetics
Classification: Uncertain significance for Hereditary cancer-predisposing syndrome. Last evaluated: 2025-01-31. Review status: criteria provided, single submitter. Criteria: Ambry Variant Classification Scheme 2023. Collection method: clinical testing. Allele origin: germline.
Comment: The p.S1308F variant (also known as c.3923C>T), located in coding exon 26 of the ALK gene, results from a C to T substitution at nucleotide position 3923. The serine at codon 1308 is replaced by phenylalanine, an amino acid with highly dissimilar properties. This amino acid position is conserved. In addition, this alteration is predicted to be deleterious by in silico analysis. Based on the available evidence, the clinical significance of this variant remains unclear.

Baylor Genetics
Classification: Uncertain significance for Neuroblastoma, susceptibility to, 3. Last evaluated: 2024-03-21. Review status: criteria provided, single submitter. Criteria: ACMG Guidelines, 2015. Collection method: clinical testing. Allele origin: unknown.